The following is an entry in ClinVar:

NM_002900.3(RBP3):c.1730G>A (p.Arg577His)

Gene: RBP3 (retinol binding protein 3; plus strand). Cytogenetic location: 10q11.22.
Variant type: single nucleotide variant.
Coding change: c.1730G>A on transcript NM_002900.3 (MANE Select); coding-DNA position 1730, G replaced by A.
Protein change: p.Arg577His; replaces arginine 577 with histidine.
Molecular consequence: missense variant.
Genome position (GRCh38, 1-based): chr10:47,350,214, G>A. VCF-style: chr10-47350214-G-A. GRCh37 (hg19) VCF-style: chr10-48389148-C-T.
Other names: c.1730G>A (NM_002900.2); short protein forms R577H.
Identifiers: ClinVar variation 1014784 (VCV001014784.8), dbSNP rs782341147, ClinGen allele CA5487453.
Genomic context (GRCh38, chr10:47,350,214, plus strand): 5'-AGTCGCTGGGCTGGGCCACACTGGTAGGTGAGATCACCGCGGGCAACCTGCTGCACACCC[G>A]CACGGTGCCGCTGCTGGACACACCCGAAGGCAGCCTCGCGCTCACCGTGCCGGTCCTCAC-3'
Protein context (NP_002891.1, residues 567-587): EITAGNLLHT[Arg577His]TVPLLDTPEG

ClinVar aggregate classification (germline): Uncertain significance. Review status: criteria provided, multiple submitters, no conflicts (2 of 4 stars). 2 submissions from 2 submitters: Uncertain significance (2). Last evaluated 2024-06-26.

Conditions:
Inborn genetic diseases. Identifiers: MedGen C0950123, MeSH D030342.

Allele frequency attached by ClinVar (database versions not stated): TOPMed 0.00001; ExAC 0.00001; gnomAD exomes below 0.00001.

Submissions (2):

Ambry Genetics
Classification: Uncertain significance for Inborn genetic diseases. Last evaluated: 2024-06-26. Review status: criteria provided, single submitter. Criteria: Ambry Variant Classification Scheme 2023. Collection method: clinical testing. Allele origin: germline.

Labcorp Genetics (formerly Invitae), Labcorp
Classification: Uncertain significance. Last evaluated: 2020-04-18. Review status: criteria provided, single submitter. Criteria: Invitae Variant Classification Sherloc (09022015). Collection method: clinical testing. Allele origin: germline.
Comment: This sequence change replaces arginine with histidine at codon 577 of the RBP3 protein (p.Arg577His). The arginine residue is weakly conserved and there is a small physicochemical difference between arginine and histidine. In summary, the available evidence is currently insufficient to determine the role of this variant in disease. Therefore, it has been classified as a Variant of Uncertain Significance. Algorithms developed to predict the effect of missense changes on protein structure and function output the following: SIFT: "Tolerated"; PolyPhen-2: "Possibly Damaging"; Align-GVGD: "Class C0". The histidine amino acid residue is found in multiple mammalian species, suggesting that this missense change does not adversely affect protein function. These predictions have not been confirmed by published functional studies and their clinical significance is uncertain. This variant has not been reported in the literature in individuals with RBP3-related conditions. This variant is present in population databases (rs782341147, ExAC 0.006%).